The following is an entry in ClinVar:

ClinVar aggregate classification (germline): Uncertain significance. Review status: criteria provided, multiple submitters, no conflicts (2 of 4 stars). 4 submissions from 4 submitters: Uncertain significance (4). Last evaluated 2024-08-13.

Conditions:
Hereditary fructosuria. Also called: Fructose intolerance; ALDOB DEFICIENCY; ALDOLASE B DEFICIENCY; FRUCTOSE-1,6-BISPHOSPHATE ALDOLASE B DEFICIENCY; FRUCTOSE-1-PHOSPHATE ALDOLASE DEFICIENCY; FRUCTOSEMIA. Identifiers: Orphanet 469, MedGen C0016751, MONDO:0009249, OMIM 229600, HP:0005973. Disease mechanism: loss of function.

Allele frequency attached by ClinVar (database versions not stated): TOPMed 0.00006; gnomAD exomes 0.00008; gnomAD 0.00009; ExAC 0.00014.
gnomAD v4.1: 132 of 1,613,950 alleles (0.0082%); highest among the groups gnomAD compares: East Asian, 0.013%; no homozygotes.

Submissions (4):

Blueprint Genetics
Classification: Uncertain significance. Last evaluated: 2024-08-13. Review status: criteria provided, single submitter. Criteria: ACMG Guidelines, 2015. Collection method: clinical testing. Allele origin: germline.

GeneDx
Classification: Uncertain significance. Last evaluated: 2023-09-30. Review status: criteria provided, single submitter. Criteria: GeneDx Variant Classification Process June 2021. Collection method: clinical testing. Allele origin: germline. Affected: yes.
Comment: In silico analysis supports that this missense variant has a deleterious effect on protein structure/function; Has not been previously published as pathogenic or benign to our knowledge

Illumina Laboratory Services, Illumina
Classification: Uncertain significance for Hereditary fructosuria. Last evaluated: 2018-01-13. Review status: criteria provided, single submitter. Criteria: ICSL Variant Classification Criteria 13 December 2019. Collection method: clinical testing. Allele origin: germline.

Neuberg Centre For Genomic Medicine, NCGM
Classification: Uncertain significance for Hereditary fructosuria. Review status: criteria provided, single submitter. Criteria: ACMG Guidelines, 2015. Collection method: clinical testing. Allele origin: germline. Inheritance: Autosomal recessive inheritance. Affected: yes.
Comment: The missense c.127C>T(p.Arg43Cys) variant in ALDOB gene has not been reported previously as a pathogenic variant nor as a benign variant, to our knowledge. The p.Arg43Cys variant is present with allele frequency of 0.008% in gnomAD Exomes. This variant has been reported to the ClinVar database as Uncertain Significance. Multiple lines of computational evidences (Polyphen - Probably damaging, SIFT - Damaging and MutationTaster - Disease causing) predict a damaging effect on protein structure and function for this variant. The reference amino acid change at this position on ALDOB gene is predicted as conserved by GERP++ and PhyloP across 100 vertebrates. The amino acid Arg at position 43 is changed to a Cys changing protein sequence and it might alter its composition and physico-chemical properties. For these reasons, this variant has been classified as a Variant of Uncertain Significance (VUS).

NM_000035.4(ALDOB):c.127C>T (p.Arg43Cys)

Gene: ALDOB (aldolase, fructose-bisphosphate B; minus strand). Cytogenetic location: 9q31.1.
Variant type: single nucleotide variant.
Coding change: c.127C>T on transcript NM_000035.4 (MANE Select); coding-DNA position 127, C replaced by T.
Protein change: p.Arg43Cys; replaces arginine 43 with cysteine.
Molecular consequence: missense variant.
Genome position (GRCh38, 1-based): chr9:101,429,952, G>A on the plus strand (C>T on the coding strand, the complement: ALDOB is on the minus strand). VCF-style: chr9-101429952-G-A. GRCh37 (hg19) VCF-style: chr9-104192234-G-A.
Other names: short protein forms R43C.
Identifiers: ClinVar variation 913599 (VCV000913599.7), dbSNP rs772473508, ClinGen allele CA5161719.